The following is an entry in ClinVar:

ClinVar aggregate classification (germline): Uncertain significance (1 of 4 stars; one submission).

Conditions:
Hyperekplexia 2 (HKPX2). Identifiers: Orphanet 3197, MedGen C3553291, MONDO:0013828, OMIM 614619.

Submission:

Labcorp Genetics (formerly Invitae), Labcorp
Classification: Uncertain significance for Hyperekplexia 2. Last evaluated: 2022-10-23. Review status: criteria provided, single submitter. Criteria: Invitae Variant Classification Sherloc (09022015). Collection method: clinical testing. Allele origin: germline.
Comment: Advanced modeling of protein sequence and biophysical properties (such as structural, functional, and spatial information, amino acid conservation, physicochemical variation, residue mobility, and thermodynamic stability) performed at Invitae indicates that this missense variant is not expected to disrupt GLRB protein function. This variant has not been reported in the literature in individuals affected with GLRB-related conditions. This variant is not present in population databases (gnomAD no frequency). This sequence change replaces isoleucine, which is neutral and non-polar, with asparagine, which is neutral and polar, at codon 161 of the GLRB protein (p.Ile161Asn). In summary, the available evidence is currently insufficient to determine the role of this variant in disease. Therefore, it has been classified as a Variant of Uncertain Significance.

NM_000824.5(GLRB):c.482T>A (p.Ile161Asn)

Gene: GLRB (glycine receptor beta; plus strand). Cytogenetic location: 4q32.1.
Variant type: single nucleotide variant.
Coding change: c.482T>A on transcript NM_000824.5 (MANE Select); coding-DNA position 482, T replaced by A.
Protein change: p.Ile161Asn; replaces isoleucine 161 with asparagine.
Molecular consequence: missense variant.
Genome position (GRCh38, 1-based): chr4:157,136,653, T>A. VCF-style: chr4-157136653-T-A. GRCh37 (hg19) VCF-style: chr4-158057805-T-A.
Other names: c.482T>A, p.Ile161Asn (NM_001166060.2, NM_001166061.2); short protein forms I161N.
Identifiers: ClinVar variation 2128138 (VCV002128138.4), dbSNP rs2530061758, ClinGen allele CA358642687.